The following is an entry in ClinVar:

NM_000488.4(SERPINC1):c.550del (p.Thr185fs)

Gene: SERPINC1 (serpin family C member 1; minus strand). Cytogenetic location: 1q25.1.
Variant type: Deletion.
Coding change: c.550del on transcript NM_000488.4 (MANE Select); coding-DNA position 550, one base deleted (C; older notation c.550delC).
Protein change: p.Thr185fs; shifts the reading frame from threonine 185.
Molecular consequence: frameshift variant. On other transcripts: intron variant (1).
Genome position (GRCh38, 1-based): chr1:173,911,873, G deleted on the plus strand (C on the coding strand, the reverse complement: SERPINC1 is on the minus strand); the first of 3 consecutive G bases (chr1:173,911,873-173,911,875); deleting any one gives the same sequence. VCF-style (leftmost placement, unchanged base first): chr1-173911872-AG-A. GRCh37 (hg19) VCF-style: chr1-173881010-AG-A.
Other names: c.406del, p.Thr137fs (NM_001365052.2); c.550del, p.Thr185fs (NM_001386302.1, NM_001386304.1, NM_001386305.1); c.631del, p.Thr212fs (NM_001386303.1); c.409-982del (NM_001386306.1); c.550delC (NM_000488.3); short protein forms T185fs, T137fs, T212fs.
Identifiers: ClinVar variation 627335 (VCV000627335.3), dbSNP rs1572090173, ClinGen allele CA915943673.

ClinVar aggregate classification (germline): Likely pathogenic. Review status: criteria provided, single submitter (1 of 4 stars). 2 submissions from 2 submitters: Likely pathogenic (1). 1 of the submissions does not count toward it. Last evaluated 2019-02-01.

Conditions:
Hereditary antithrombin deficiency (AT3D). Also called: Antithrombin deficiency; Thrombophilia due to antithrombin III deficiency; Antithrombin III deficiency; Reduced antithrombin III activity. Identifiers: Orphanet 82, MedGen C0272375, MONDO:0013144, OMIM 613118, HP:0001976.

Submissions (2):

NIHR Bioresource Rare Diseases, University of Cambridge
Classification: Likely pathogenic for Hereditary antithrombin deficiency. Last evaluated: 2019-02-01. Review status: criteria provided, single submitter. Criteria: ACMG Guidelines, 2015. Collection method: research. Allele origin: unknown. Affected: yes. Observed: 1 heterozygote. Study: ThromboGenomics.

ISTH-SSC Genomics in Thrombosis and Hemostasis, KU Leuven, Center for Molecular and Vascular Biology
Classification: Likely pathogenic for Hereditary antithrombin deficiency. Review status: no assertion criteria provided. Collection method: clinical testing. Allele origin: unknown. Affected: yes. Not counted in ClinVar's aggregate classification.
Comment: Submitted to GoldVariant by Prof Kathleen Freson from Center for Molecular and Vascular Biology, Leuven, Belgium

Literature cited by the submitters: PubMed 31064749 (cited by NIHR Bioresource Rare Diseases, University of Cambridge).